The following is an entry in ClinVar:

ClinVar aggregate classification (germline): Uncertain significance (1 of 4 stars; one submission).

Conditions:
Hereditary cancer-predisposing syndrome. Also called: Neoplastic Syndromes, Hereditary; Tumor predisposition; Hereditary Cancer Syndrome; Hereditary neoplastic syndrome. Identifiers: Orphanet 140162, MedGen C0027672, MeSH D009386, MONDO:0015356.

Submission:

Ambry Genetics
Classification: Uncertain significance for Hereditary cancer-predisposing syndrome. Last evaluated: 2025-12-15. Review status: criteria provided, single submitter. Criteria: Ambry Variant Classification Scheme 2023. Collection method: clinical testing. Allele origin: germline.
Comment: The p.A198P variant (also known as c.592G>C), located in coding exon 6 of the BMPR1A gene, results from a G to C substitution at nucleotide position 592. The alanine at codon 198 is replaced by proline, an amino acid with highly similar properties. This amino acid position is conserved. In addition, the in silico prediction for this alteration is inconclusive. Based on the available evidence, the clinical significance of this variant remains unclear.

NM_004329.3(BMPR1A):c.592G>C (p.Ala198Pro)

Gene: BMPR1A (bone morphogenetic protein receptor type 1A; plus strand). Cytogenetic location: 10q23.2.
Variant type: single nucleotide variant.
Coding change: c.592G>C on transcript NM_004329.3 (MANE Select); coding-DNA position 592, G replaced by C.
Protein change: p.Ala198Pro; replaces alanine 198 with proline.
Molecular consequence: missense variant. On other transcripts: non-coding transcript variant (3), intron variant (1).
Genome position (GRCh38, 1-based): chr10:86,912,301, G>C. VCF-style: chr10-86912301-G-C. GRCh37 (hg19) VCF-style: chr10-88672058-G-C.
Other names: c.334-4833G>C (NM_001406589.1); c.667G>C, p.Ala223Pro (NM_001406559.1); c.640G>C, p.Ala214Pro (NM_001406560.1); c.592G>C, p.Ala198Pro (NM_001406561.1, NM_001406562.1, NM_001406563.1 and 20 more transcripts); c.508G>C, p.Ala170Pro (NM_001406584.1, NM_001406585.1, NM_001406586.1 and 2 more transcripts); short protein forms A198P, A170P, A214P, A223P.
Identifiers: ClinVar variation 4842478 (VCV004842478.1).